The following is an entry in ClinVar:

NM_000391.4(TPP1):c.767C>A (p.Ser256Ter)

Gene: TPP1 (tripeptidyl peptidase 1; minus strand). Cytogenetic location: 11p15.4.
Variant type: single nucleotide variant.
Coding change: c.767C>A on transcript NM_000391.4 (MANE Select); coding-DNA position 767, C replaced by A.
Protein change: p.Ser256Ter; replaces serine 256 with a stop codon.
Molecular consequence: nonsense.
Genome position (GRCh38, 1-based): chr11:6,616,780, G>T on the plus strand (C>A on the coding strand, the complement: TPP1 is on the minus strand). VCF-style: chr11-6616780-G-T. GRCh37 (hg19) VCF-style: chr11-6638011-G-T.
Other names: short protein forms S256*.
Identifiers: ClinVar variation 1726629 (VCV001726629.2), dbSNP rs2493798930, ClinGen allele CA379475104.

ClinVar aggregate classification (germline): Likely pathogenic (1 of 4 stars; one submission).

Conditions:
Neuronal ceroid lipofuscinosis 2. Also called: TPP1-Related Neuronal Ceroid-Lipofuscinosis; JANSKY-BIELSCHOWSKY DISEASE NEURONAL CEROID LIPOFUSCINOSIS, LATE INFANTILE. Identifiers: Orphanet 168491, Orphanet 228349, Orphanet 79264, MedGen C1876161, MONDO:0008769, OMIM 204500.

Submission:

Myriad Genetics, Inc.
Classification: Likely pathogenic for Neuronal ceroid lipofuscinosis 2. Last evaluated: 2021-12-17. Review status: criteria provided, single submitter. Criteria: Myriad Women's Health Autosomal Recessive and X-Linked Classification Criteria (2021). Collection method: clinical testing. Allele origin: unknown.
Comment: NM_000391.3(TPP1):c.767C>A(S256*) is expected to be pathogenic in the context of TPP1-related neuronal ceroid lipofuscinosis. This variant is predicted to lead to an abnormal or absent protein product due to the creation of a premature termination codon in TPP1, a gene where loss-of-function variants are known to be pathogenic. Please note: this variant was assessed in the context of healthy population screening.